The following is an entry in ClinVar:

NM_006231.4(POLE):c.372dup (p.Gln125fs)

Gene: POLE (DNA polymerase epsilon, catalytic subunit; minus strand). Cytogenetic location: 12q24.33.
Variant type: Duplication.
Coding change: c.372dup on transcript NM_006231.4 (MANE Select); coding-DNA position 372, one base duplicated (T; older notation c.372dupT).
Protein change: p.Gln125fs; shifts the reading frame from glutamine 125.
Molecular consequence: frameshift variant.
Genome position (GRCh38, 1-based): chr12:132,680,005, A duplicated on the plus strand (T on the coding strand, the reverse complement: POLE is on the minus strand); the first of 3 consecutive A bases (chr12:132,680,005-132,680,007); duplicating any one gives the same sequence. VCF-style (leftmost placement, unchanged base first): chr12-132680004-G-GA. GRCh37 (hg19) VCF-style: chr12-133256590-G-GA.
Other names: short protein forms Q125fs.
Identifiers: ClinVar variation 2019538 (VCV002019538.4), dbSNP rs2542190548, ClinGen allele CA2580086070.

ClinVar aggregate classification (germline): Pathogenic (1 of 4 stars; one submission).

Submission:

Labcorp Genetics (formerly Invitae), Labcorp
Classification: Pathogenic. Last evaluated: 2022-07-25. Review status: criteria provided, single submitter. Criteria: Invitae Variant Classification Sherloc (09022015). Collection method: clinical testing. Allele origin: germline.
Comment: This sequence change creates a premature translational stop signal (p.Gln125Serfs*79) in the POLE gene. It is expected to result in an absent or disrupted protein product. Loss-of-function variants in POLE are known to be pathogenic (PMID: 23230001, 25948378, 30503519). This variant is not present in population databases (gnomAD no frequency). This variant has not been reported in the literature in individuals affected with POLE-related conditions. Algorithms developed to predict the effect of sequence changes on RNA splicing suggest that this variant may disrupt the consensus splice site. For these reasons, this variant has been classified as Pathogenic.

Literature cited by the submitters: PubMed 23230001; PubMed 25948378; PubMed 30503519.